The following is an entry in ClinVar:

ClinVar aggregate classification (germline): Uncertain significance (1 of 4 stars; one submission).

gnomAD v4.1: 1 of 1,610,894 alleles (0.000062%); highest among the groups gnomAD compares: Non-Finnish European, 0.000085%; no homozygotes.

Submission:

Women's Health and Genetics/Laboratory Corporation of America, LabCorp
Classification: Uncertain significance. Last evaluated: 2024-12-09. Review status: criteria provided, single submitter. Criteria: LabCorp Variant Classification Summary - May 2015. Collection method: clinical testing. Allele origin: germline.
Comment: Variant summary: SETX c.6325-3C>T alters a non-conserved nucleotide located close to a canonical splice site and therefore could affect mRNA splicing, leading to a significantly altered protein sequence. Consensus agreement among computation tools predict no significant impact on normal splicing. However, these predictions have yet to be confirmed by functional studies. The variant was absent in 249368 control chromosomes. The available data on variant occurrences in the general population are insufficient to allow any conclusion about variant significance. To our knowledge, no occurrence of c.6325-3C>T in individuals affected with Spinocerebellar ataxia, autosomal recessive, with axonal neuropathy 2 and no experimental evidence demonstrating its impact on protein function have been reported. No submitters have cited clinical-significance assessments for this variant to ClinVar. Based on the evidence outlined above, the variant was classified as uncertain significance.

NM_015046.7(SETX):c.6325-3C>T

Gene: SETX (senataxin; minus strand). Cytogenetic location: 9q34.13.
Variant type: single nucleotide variant.
Coding change: c.6325-3C>T on transcript NM_015046.7 (MANE Select); 3 bases into the intron before coding-DNA position 6325, C replaced by T.
Molecular consequence: intron variant.
Genome position (GRCh38, 1-based): chr9:132,286,497, G>A on the plus strand (C>T on the coding strand, the complement: SETX is on the minus strand). VCF-style: chr9-132286497-G-A. GRCh37 (hg19) VCF-style: chr9-135161884-G-A.
Other names: c.6325-3C>T (NM_001351528.2, NM_001351527.2).
Identifiers: ClinVar variation 3768183 (VCV003768183.1).